The following is an entry in ClinVar:

ClinVar aggregate classification (germline): Uncertain significance (1 of 4 stars; one submission).

Conditions:
Primary ciliary dyskinesia. Also called: Ciliary dyskinesia. Identifiers: Orphanet 244, MedGen C0008780, MONDO:0016575, HP:0012265.

gnomAD v4.1: 23 of 1,613,344 alleles (0.0014%); highest among the groups gnomAD compares: East Asian, 0.0045%; no homozygotes.

Submission:

Ambry Genetics
Classification: Uncertain significance for Primary ciliary dyskinesia. Last evaluated: 2026-06-01. Review status: criteria provided, single submitter. Criteria: Ambry Variant Classification Scheme 2023. Collection method: clinical testing. Allele origin: germline.
Comment: The p.L2998F variant (also known as c.8994G>T), located in coding exon 54 of the DNAH5 gene, results from a G to T substitution at nucleotide position 8994. The leucine at codon 2998 is replaced by phenylalanine, an amino acid with highly similar properties. This amino acid position is conserved. In addition, this alteration is predicted to be tolerated by in silico analysis. Based on the available evidence, the clinical significance of this variant remains unclear.

NM_001369.3(DNAH5):c.8994G>T (p.Leu2998Phe)

Gene: DNAH5 (dynein axonemal heavy chain 5; minus strand). Cytogenetic location: 5p15.2.
Variant type: single nucleotide variant.
Coding change: c.8994G>T on transcript NM_001369.3 (MANE Select); coding-DNA position 8994, G replaced by T.
Protein change: p.Leu2998Phe; replaces leucine 2998 with phenylalanine.
Molecular consequence: missense variant.
Genome position (GRCh38, 1-based): chr5:13,777,313, C>A on the plus strand (G>T on the coding strand, the complement: DNAH5 is on the minus strand). VCF-style: chr5-13777313-C-A. GRCh37 (hg19) VCF-style: chr5-13777422-C-A.
Other names: short protein forms L2998F.
Identifiers: ClinVar variation 4869963 (VCV004869963.1).